The following is an entry in ClinVar:

NM_001370466.1(NOD2):c.658T>C (p.Cys220Arg)

Gene: NOD2 (nucleotide binding oligomerization domain containing 2; plus strand). Cytogenetic location: 16q12.1.
Variant type: single nucleotide variant.
Coding change: c.658T>C on transcript NM_001370466.1 (MANE Select); coding-DNA position 658, T replaced by C.
Protein change: p.Cys220Arg; replaces cysteine 220 with arginine.
Molecular consequence: missense variant. On other transcripts: non-coding transcript variant (1).
Genome position (GRCh38, 1-based): chr16:50,710,650, T>C. VCF-style: chr16-50710650-T-C. GRCh37 (hg19) VCF-style: chr16-50744561-T-C.
Other names: c.658T>C, p.Cys220Arg (NM_001293557.2); c.739T>C, p.Cys247Arg (NM_022162.3); short protein forms C220R, C247R.
Identifiers: ClinVar variation 1499055 (VCV001499055.8), dbSNP rs764675751, ClinGen allele CA8051386.
Genomic context (GRCh38, chr16:50,710,650, plus strand): 5'-AGGACCACGGTGTCTGCTCAGTCTCGCTTCCTCAGTACCTATGATGGAGCAGAGACGCTC[T>C]GCCTGGAGGACATATACACAGAGAATGTCCTGGAGGTCTGGGCAGATGTGGGCATGGCTG-3'
Protein context (NP_001357395.1, residues 210-230): LSTYDGAETL[Cys220Arg]LEDIYTENVL

ClinVar aggregate classification (germline): Uncertain significance (1 of 4 stars; one submission).

Conditions:
Regional enteritis. Also called: Enteritis, Granulomatous. Identifiers: MedGen C0678202, MeSH D003424.
Blau syndrome (BLAUS). Also called: GRANULOMATOSIS, FAMILIAL JUVENILE SYSTEMIC; GRANULOMATOSIS, FAMILIAL, BLAU TYPE; GRANULOMATOUS INFLAMMATORY ARTHRITIS, DERMATITIS, AND UVEITIS, FAMILIAL; JABS SYNDROME; ARTHROCUTANEOUVEAL GRANULOMATOSIS. Identifiers: Orphanet 90340, MedGen C5201146, MONDO:0008523, OMIM 186580.

Allele frequency attached by ClinVar (database versions not stated): gnomAD 0.00001; gnomAD exomes 0.00001 and 0.00002; ExAC 0.00002; TOPMed 0.00002.
gnomAD v4.1: 9 of 1,614,110 alleles (0.00056%); highest among the groups gnomAD compares: East Asian, 0.016%; no homozygotes.

Submission:

Labcorp Genetics (formerly Invitae), Labcorp
Classification: Uncertain significance for Regional enteritis; Blau syndrome. Last evaluated: 2020-11-23. Review status: criteria provided, single submitter. Criteria: Invitae Variant Classification Sherloc (09022015). Collection method: clinical testing. Allele origin: germline.
Comment: In summary, the available evidence is currently insufficient to determine the role of this variant in disease. Therefore, it has been classified as a Variant of Uncertain Significance. Advanced modeling of protein sequence and biophysical properties (such as structural, functional, and spatial information, amino acid conservation, physicochemical variation, residue mobility, and thermodynamic stability) performed at Invitae indicates that this missense variant is not expected to disrupt NOD2 protein function. This variant has not been reported in the literature in individuals with NOD2-related conditions. This variant is present in population databases (rs764675751, ExAC 0.03%). This sequence change replaces cysteine with arginine at codon 247 of the NOD2 protein (p.Cys247Arg). The cysteine residue is highly conserved and there is a large physicochemical difference between cysteine and arginine.